The following is an entry in ClinVar:

NM_001111067.4(ACVR1):c.55C>T (p.Pro19Ser)

Gene: ACVR1 (activin A receptor type 1; minus strand). Cytogenetic location: 2q24.1.
Variant type: single nucleotide variant.
Coding change: c.55C>T on transcript NM_001111067.4 (MANE Select); coding-DNA position 55, C replaced by T.
Protein change: p.Pro19Ser; replaces proline 19 with serine.
Molecular consequence: missense variant.
Genome position (GRCh38, 1-based): chr2:157,799,439, G>A on the plus strand (C>T on the coding strand, the complement: ACVR1 is on the minus strand). VCF-style: chr2-157799439-G-A. GRCh37 (hg19) VCF-style: chr2-158655951-G-A.
Other names: c.55C>T, p.Pro19Ser (NM_001105.5, NM_001347663.1, NM_001347664.1 and 3 more transcripts); short protein forms P19S.
Identifiers: ClinVar variation 1922454 (VCV001922454.5), dbSNP rs1158969294, ClinGen allele CA349194124.

ClinVar aggregate classification (germline): Uncertain significance (1 of 4 stars; one submission).

gnomAD v4.1: 6 of 1,611,432 alleles (0.00037%); highest among the groups gnomAD compares: Admixed American, 0.0033%; no homozygotes.

Submission:

Labcorp Genetics (formerly Invitae), Labcorp
Classification: Uncertain significance. Last evaluated: 2022-10-01. Review status: criteria provided, single submitter. Criteria: Invitae Variant Classification Sherloc (09022015). Collection method: clinical testing. Allele origin: germline.
Comment: This sequence change replaces proline, which is neutral and non-polar, with serine, which is neutral and polar, at codon 19 of the ACVR1 protein (p.Pro19Ser). This variant is present in population databases (no rsID available, gnomAD 0.003%). This variant has not been reported in the literature in individuals affected with ACVR1-related conditions. Algorithms developed to predict the effect of missense changes on protein structure and function (SIFT, PolyPhen-2, Align-GVGD) all suggest that this variant is likely to be tolerated. In summary, the available evidence is currently insufficient to determine the role of this variant in disease. Therefore, it has been classified as a Variant of Uncertain Significance.